The following is an entry in ClinVar:

ClinVar aggregate classification (germline): Uncertain significance (1 of 4 stars; one submission).

Submission:

Dasa
Classification: Uncertain significance. Last evaluated: 2024-08-27. Review status: criteria provided, single submitter. Criteria: DASA Assertion Criteria. Collection method: clinical testing. Allele origin: germline.
Comment: NM_018896.5(CACNA1G):c.6654C>G (p.Asp2218Glu) is a missense variant that results in the substitution of aspartic acid with glutamic acid. Multiple computational predictions support a deleterious effect on the gene or gene product. Based on the available data, this variant is classified as variant of uncertain significance.

NM_018896.5(CACNA1G):c.6654C>G (p.Asp2218Glu)

Gene: CACNA1G (calcium voltage-gated channel subunit alpha1 G; plus strand). Cytogenetic location: 17q21.33.
Variant type: single nucleotide variant.
Coding change: c.6654C>G on transcript NM_018896.5 (MANE Select); coding-DNA position 6654, C replaced by G.
Protein change: p.Asp2218Glu; replaces aspartic acid 2218 with glutamic acid.
Molecular consequence: missense variant. On other transcripts: non-coding transcript variant (5), intron variant (3).
Genome position (GRCh38, 1-based): chr17:50,626,271, C>G. VCF-style: chr17-50626271-C-G. GRCh37 (hg19) VCF-style: chr17-48703632-C-G.
Other names: c.6267C>G, p.Asp2089Glu (NM_001256360.2); c.6261C>G, p.Asp2087Glu (NM_001256361.2); c.6621C>G, p.Asp2207Glu (NM_198377.3); c.6342C>G, p.Asp2114Glu (NM_198378.3); c.6417C>G, p.Asp2139Glu (NM_198379.3); c.6486C>G, p.Asp2162Glu (NM_198380.3); c.6306C>G, p.Asp2102Glu (NM_198382.3); c.6441C>G, p.Asp2147Glu (NM_198383.3); and 18 more; short protein forms D2068E, D2073E, D2080E, D2084E, D2087E, D2089E, D2091E, D2098E.
Identifiers: ClinVar variation 4851913 (VCV004851913.1).